The following is an entry in ClinVar:

NM_152383.5(DIS3L2):c.1418A>G (p.Glu473Gly)

Gene: DIS3L2 (DIS3 like 3'-5' exoribonuclease 2; plus strand). Cytogenetic location: 2q37.1.
Variant type: single nucleotide variant.
Coding change: c.1418A>G on transcript NM_152383.5 (MANE Select); coding-DNA position 1418, A replaced by G.
Protein change: p.Glu473Gly; replaces glutamic acid 473 with glycine.
Molecular consequence: missense variant. On other transcripts: non-coding transcript variant (2).
Genome position (GRCh38, 1-based): chr2:232,249,339, A>G. VCF-style: chr2-232249339-A-G. GRCh37 (hg19) VCF-style: chr2-233114049-A-G.
Other names: c.1418A>G, p.Glu473Gly (NM_001257281.2); short protein forms E473G.
Identifiers: ClinVar variation 566131 (VCV000566131.8), dbSNP rs766892626, ClinGen allele CA2164137.

ClinVar aggregate classification (germline): Uncertain significance (1 of 4 stars; one submission).

Conditions:
Perlman syndrome (PRLMNS). Identifiers: Orphanet 2849, MedGen C0796113, MONDO:0009965, OMIM 267000.

Allele frequency attached by ClinVar (database versions not stated): gnomAD exomes below 0.00001; ExAC 0.00001; TOPMed 0.00001.
gnomAD v4.1: 1 of 1,614,042 alleles (0.000062%); highest among the groups gnomAD compares: African/African-American, 0.0013%; no homozygotes.

Submission:

Labcorp Genetics (formerly Invitae), Labcorp
Classification: Uncertain significance for Perlman syndrome. Last evaluated: 2021-06-16. Review status: criteria provided, single submitter. Criteria: Invitae Variant Classification Sherloc (09022015). Collection method: clinical testing. Allele origin: germline.
Comment: Algorithms developed to predict the effect of missense changes on protein structure and function do not agree on the potential impact of this missense change (SIFT: "Deleterious"; PolyPhen-2: "Possibly Damaging"; Align-GVGD: "Class C0"). This variant has not been reported in the literature in individuals with DIS3L2-related disease. This variant is present in population databases (rs766892626, ExAC 0.01%). This sequence change replaces glutamic acid with glycine at codon 473 of the DIS3L2 protein (p.Glu473Gly). The glutamic acid residue is moderately conserved and there is a moderate physicochemical difference between glutamic acid and glycine. In summary, the available evidence is currently insufficient to determine the role of this variant in disease. Therefore, it has been classified as a Variant of Uncertain Significance.